The following is an entry in ClinVar:

ClinVar aggregate classification (germline): Uncertain significance. Review status: criteria provided, multiple submitters, no conflicts (2 of 4 stars). 2 submissions from 2 submitters: Uncertain significance (2). Last evaluated 2024-08-04.

Conditions:
Neuroblastoma, susceptibility to, 3. Also called: ALK-Related Neuroblastic Tumor Susceptibility. Identifiers: Orphanet 635, MedGen C2751681, MONDO:0013083, OMIM 613014.
Hereditary cancer-predisposing syndrome. Also called: Hereditary Cancer Syndrome; Hereditary neoplastic syndrome; Neoplastic Syndromes, Hereditary; Tumor predisposition. Identifiers: Orphanet 140162, MedGen C0027672, MeSH D009386, MONDO:0015356.

Allele frequency attached by ClinVar (database versions not stated): gnomAD exomes below 0.00001; TOPMed below 0.00001; gnomAD 0.00001.
gnomAD v4.1: 2 of 1,488,282 alleles (0.00013%); highest among the groups gnomAD compares: Non-Finnish European, 0.00018%; no homozygotes.

Submissions (2):

Ambry Genetics
Classification: Uncertain significance for Hereditary cancer-predisposing syndrome. Last evaluated: 2024-08-04. Review status: criteria provided, single submitter. Criteria: Ambry Variant Classification Scheme 2023. Collection method: clinical testing. Allele origin: germline.
Comment: The p.L896S variant (also known as c.2687T>C), located in coding exon 16 of the ALK gene, results from a T to C substitution at nucleotide position 2687. The leucine at codon 896 is replaced by serine, an amino acid with dissimilar properties. This amino acid position is conserved. In addition, this alteration is predicted to be deleterious by in silico analysis. Based on the available evidence, the clinical significance of this variant remains unclear.

Labcorp Genetics (formerly Invitae), Labcorp
Classification: Uncertain significance for Neuroblastoma, susceptibility to, 3. Last evaluated: 2023-12-31. Review status: criteria provided, single submitter. Criteria: Invitae Variant Classification Sherloc (09022015). Collection method: clinical testing. Allele origin: germline.
Comment: This sequence change replaces leucine, which is neutral and non-polar, with serine, which is neutral and polar, at codon 896 of the ALK protein (p.Leu896Ser). This variant is not present in population databases (gnomAD no frequency). This variant has not been reported in the literature in individuals affected with ALK-related conditions. An algorithm developed to predict the effect of missense changes on protein structure and function (PolyPhen-2) suggests that this variant is likely to be disruptive. In summary, the available evidence is currently insufficient to determine the role of this variant in disease. Therefore, it has been classified as a Variant of Uncertain Significance.

NM_004304.5(ALK):c.2687T>C (p.Leu896Ser)

Gene: ALK (ALK receptor tyrosine kinase; minus strand). Cytogenetic location: 2p23.2.
Variant type: single nucleotide variant.
Coding change: c.2687T>C on transcript NM_004304.5 (MANE Select); coding-DNA position 2687, T replaced by C.
Protein change: p.Leu896Ser; replaces leucine 896 with serine.
Molecular consequence: missense variant.
Genome position (GRCh38, 1-based): chr2:29,229,012, A>G on the plus strand (T>C on the coding strand, the complement: ALK is on the minus strand). VCF-style: chr2-29229012-A-G. GRCh37 (hg19) VCF-style: chr2-29451878-A-G.
Other names: c.2687T>C (NM_004304.4); short protein forms L896S.
Identifiers: ClinVar variation 3000361 (VCV003000361.4), dbSNP rs1213323857, ClinGen allele CA346469942.